The following is an entry in ClinVar:

ClinVar aggregate classification (germline): Uncertain significance (1 of 4 stars; one submission).

Allele frequency attached by ClinVar (database versions not stated): gnomAD exomes below 0.00001.
gnomAD v4.1: 1 of 1,611,012 alleles (0.000062%); highest among the groups gnomAD compares: Non-Finnish European, 0.000085%; no homozygotes.

Submission:

Labcorp Genetics (formerly Invitae), Labcorp
Classification: Uncertain significance. Last evaluated: 2022-06-16. Review status: criteria provided, single submitter. Criteria: Invitae Variant Classification Sherloc (09022015). Collection method: clinical testing. Allele origin: germline.
Comment: In summary, the available evidence is currently insufficient to determine the role of this variant in disease. Therefore, it has been classified as a Variant of Uncertain Significance. Algorithms developed to predict the effect of missense changes on protein structure and function are either unavailable or do not agree on the potential impact of this missense change (SIFT: "Deleterious"; PolyPhen-2: "Probably Damaging"; Align-GVGD: "Class C0"). This variant has not been reported in the literature in individuals affected with MCM3AP-related conditions. This sequence change replaces serine, which is neutral and polar, with proline, which is neutral and non-polar, at codon 483 of the MCM3AP protein (p.Ser483Pro). This variant is not present in population databases (gnomAD no frequency).

NM_003906.5(MCM3AP):c.1447T>C (p.Ser483Pro)

Gene: MCM3AP (minichromosome maintenance complex component 3 associated protein; minus strand). Cytogenetic location: 21q22.3.
Variant type: single nucleotide variant.
Coding change: c.1447T>C on transcript NM_003906.5 (MANE Select); coding-DNA position 1447, T replaced by C.
Protein change: p.Ser483Pro; replaces serine 483 with proline.
Molecular consequence: missense variant.
Genome position (GRCh38, 1-based): chr21:46,280,572, A>G on the plus strand (T>C on the coding strand, the complement: MCM3AP is on the minus strand). VCF-style: chr21-46280572-A-G. GRCh37 (hg19) VCF-style: chr21-47700486-A-G.
Other names: short protein forms S483P.
Identifiers: ClinVar variation 1998458 (VCV001998458.4), dbSNP rs2517426858, ClinGen allele CA410530403.
Genomic context (GRCh38, chr21:46,280,572, plus strand): 5'-GCCAAAAGATAGCCATGTCTTTATGCAAACTTTTCCCCTTCTTTCTAGCCAGGGCTGCAG[A>G]TGCCTGGAAAACAGTCCACAACCGCCATGTGTGAGTATATCAGGAAACCAAAGGAAATGG-3'
Protein context (NP_003897.2, residues 473-493): LAVVHFFDHA[Ser483Pro]AALARKKGKS